The following is an entry in ClinVar:

ClinVar aggregate classification (germline): Uncertain significance (1 of 4 stars; one submission).

Submission:

CeGaT Center for Human Genetics Tuebingen
Classification: Uncertain significance. Last evaluated: 2022-07-01. Review status: criteria provided, single submitter. Criteria: CeGaT Center For Human Genetics Tuebingen Variant Classification Criteria Version 2. Collection method: clinical testing. Allele origin: germline. Affected: yes. Observed: 1 variant allele.
Comment: LMNB1: PM2

NM_005573.4(LMNB1):c.212G>A (p.Arg71His)

Gene: LMNB1 (lamin B1; plus strand). Cytogenetic location: 5q23.2.
Variant type: single nucleotide variant.
Coding change: c.212G>A on transcript NM_005573.4 (MANE Select); coding-DNA position 212, G replaced by A.
Protein change: p.Arg71His; replaces arginine 71 with histidine.
Molecular consequence: missense variant. On other transcripts: non-coding transcript variant (2), intron variant (1).
Genome position (GRCh38, 1-based): chr5:126,777,720, G>A. VCF-style: chr5-126777720-G-A. GRCh37 (hg19) VCF-style: chr5-126113412-G-A.
Other names: c.-272+476G>A (NM_001198557.2); short protein forms R71H.
Identifiers: ClinVar variation 2655666 (VCV002655666.24), dbSNP rs2479404956, ClinGen allele CA360725234.